The following is an entry in ClinVar:

NM_031844.3(HNRNPU):c.403G>A (p.Asp135Asn)

Gene: HNRNPU (heterogeneous nuclear ribonucleoprotein U; minus strand). Cytogenetic location: 1q44.
Variant type: single nucleotide variant.
Coding change: c.403G>A on transcript NM_031844.3 (MANE Select); coding-DNA position 403, G replaced by A.
Protein change: p.Asp135Asn; replaces aspartic acid 135 with asparagine.
Molecular consequence: missense variant.
Genome position (GRCh38, 1-based): chr1:244,863,905, C>T on the plus strand (G>A on the coding strand, the complement: HNRNPU is on the minus strand). VCF-style: chr1-244863905-C-T. GRCh37 (hg19) VCF-style: chr1-245027207-C-T.
Other names: c.403G>A, p.Asp135Asn (NM_004501.3); short protein forms D135N.
Identifiers: ClinVar variation 3669552 (VCV003669552.2).

ClinVar aggregate classification (germline): Uncertain significance (1 of 4 stars; one submission).

Conditions:
Developmental and epileptic encephalopathy, 54. Also called: HNRNPU-Related Neurodevelopmental Disorder; Epileptic encephalopathy, early infantile, 54. Identifiers: MedGen C4479319, MONDO:0033363, OMIM 617391.

Submission:

Labcorp Genetics (formerly Invitae), Labcorp
Classification: Uncertain significance for Developmental and epileptic encephalopathy, 54. Last evaluated: 2024-10-11. Review status: criteria provided, single submitter. Criteria: Invitae Variant Classification Sherloc (09022015). Collection method: clinical testing. Allele origin: germline.
Comment: This sequence change replaces aspartic acid, which is acidic and polar, with asparagine, which is neutral and polar, at codon 135 of the HNRNPU protein (p.Asp135Asn). This variant is not present in population databases (gnomAD no frequency). This variant has not been reported in the literature in individuals affected with HNRNPU-related conditions. Invitae Evidence Modeling of protein sequence and biophysical properties (such as structural, functional, and spatial information, amino acid conservation, physicochemical variation, residue mobility, and thermodynamic stability) indicates that this missense variant is not expected to disrupt HNRNPU protein function with a negative predictive value of 95%. In summary, the available evidence is currently insufficient to determine the role of this variant in disease. Therefore, it has been classified as a Variant of Uncertain Significance.